The following is an entry in ClinVar:

NM_001868.4(CPA1):c.872A>G (p.Asp291Gly)

Gene: CPA1 (carboxypeptidase A1; plus strand). Cytogenetic location: 7q32.2.
Variant type: single nucleotide variant.
Coding change: c.872A>G on transcript NM_001868.4 (MANE Select); coding-DNA position 872, A replaced by G.
Protein change: p.Asp291Gly; replaces aspartic acid 291 with glycine.
Molecular consequence: missense variant.
Genome position (GRCh38, 1-based): chr7:130,385,230, A>G. VCF-style: chr7-130385230-A-G. GRCh37 (hg19) VCF-style: chr7-130025071-A-G.
Other names: short protein forms D291G.
Identifiers: ClinVar variation 5034925 (VCV005034925.1).
Genomic context (GRCh38, chr7:130,385,230, plus strand): 5'-GCTCGGAGACTTACCACGGCAAGTTTGCCAATTCCGAAGTGGAGGTCAAGTCCATTGTAG[A>G]CTTTGTGAAGGACCATGGGAACATCAAGGCCTTCATCTCCATCCACAGCTACTCCCAGCT-3'
Protein context (NP_001859.1, residues 281-301): NSEVEVKSIV[Asp291Gly]FVKDHGNIKA

ClinVar aggregate classification (germline): Uncertain significance (1 of 4 stars; one submission).

Conditions:
Hereditary pancreatitis (PCTT). Also called: Hereditary chronic pancreatitis; PRSS1-Related Hereditary Pancreatitis. Identifiers: Orphanet 676, MedGen C0238339, MONDO:0008185, OMIM 167800.

gnomAD v4.1: 1 of 1,614,068 alleles (0.000062%); no homozygotes.

Submission:

Ambry Genetics
Classification: Uncertain significance for Hereditary pancreatitis. Last evaluated: 2026-09-14. Review status: criteria provided, single submitter. Criteria: Ambry Variant Classification Scheme 2023. Collection method: clinical testing. Allele origin: germline.
Comment: The p.D291G variant (also known as c.872A>G), located in coding exon 8 of the CPA1 gene, results from an A to G substitution at nucleotide position 872. The aspartic acid at codon 291 is replaced by glycine, an amino acid with similar properties. This amino acid position is conserved. In addition, the in silico prediction for this alteration is inconclusive. Based on the available evidence, the clinical significance of this variant remains unclear.